The following is an entry in ClinVar:

ClinVar aggregate classification (germline): Uncertain significance (1 of 4 stars; one submission).

Conditions:
Landau-Kleffner syndrome (FESD). Also called: APHASIA, ACQUIRED, WITH EPILEPSY; EPILEPSY, FOCAL, WITH SPEECH DISORDER AND WITH OR WITHOUT MENTAL RETARDATION. Identifiers: Orphanet 1945, Orphanet 725, Orphanet 98818, MedGen C0282512, MONDO:0009509, OMIM 245570.

Submission:

Labcorp Genetics (formerly Invitae), Labcorp
Classification: Uncertain significance for Landau-Kleffner syndrome. Last evaluated: 2023-07-28. Review status: criteria provided, single submitter. Criteria: Invitae Variant Classification Sherloc (09022015). Collection method: clinical testing. Allele origin: germline.
Comment: In summary, the available evidence is currently insufficient to determine the role of this variant in disease. Therefore, it has been classified as a Variant of Uncertain Significance. Advanced modeling of protein sequence and biophysical properties (such as structural, functional, and spatial information, amino acid conservation, physicochemical variation, residue mobility, and thermodynamic stability) has been performed at Invitae for this missense variant, however the output from this modeling did not meet the statistical confidence thresholds required to predict the impact of this variant on GRIN2A protein function. ClinVar contains an entry for this variant (Variation ID: 1350512). This variant has not been reported in the literature in individuals affected with GRIN2A-related conditions. This variant is not present in population databases (gnomAD no frequency). This sequence change replaces serine, which is neutral and polar, with asparagine, which is neutral and polar, at codon 689 of the GRIN2A protein (p.Ser689Asn).

NM_001134407.3(GRIN2A):c.2066G>A (p.Ser689Asn)

Gene: GRIN2A (glutamate ionotropic receptor NMDA type subunit 2A; minus strand). Cytogenetic location: 16p13.2.
Variant type: single nucleotide variant.
Coding change: c.2066G>A on transcript NM_001134407.3 (MANE Select); coding-DNA position 2066, G replaced by A.
Protein change: p.Ser689Asn; replaces serine 689 with asparagine.
Molecular consequence: missense variant.
Genome position (GRCh38, 1-based): chr16:9,822,366, C>T on the plus strand (G>A on the coding strand, the complement: GRIN2A is on the minus strand). VCF-style: chr16-9822366-C-T. GRCh37 (hg19) VCF-style: chr16-9916223-C-T.
Other names: c.2066G>A, p.Ser689Asn (NM_000833.5, NM_001134408.2); short protein forms S689N.
Identifiers: ClinVar variation 1350512 (VCV001350512.6), dbSNP rs932803191, ClinGen allele CA278179183.